The following is an entry in ClinVar:

ClinVar aggregate classification (germline): Conflicting classifications of pathogenicity. Review status: criteria provided, conflicting classifications (1 of 4 stars). 11 submissions from 11 submitters: Uncertain significance (4); Likely benign (6). 1 of the submissions does not count toward it. Last evaluated 2026-01-28.

Conditions:
Ovarian cancer. Also called: OVARIAN CANCER, SOMATIC. Identifiers: Orphanet 213500, MedGen C1140680, MONDO:0008170, OMIM 167000.
Fanconi anemia complementation group J. Also called: BRIP1-Related Fanconi Anemia. Identifiers: Orphanet 84, MedGen C1836860, MONDO:0012187, OMIM 609054.
BRIP1-related disorder. Also called: BRIP1-related condition; BRIP1-related disorders. Identifiers: MedGen CN239206.
Hereditary cancer-predisposing syndrome. Also called: Neoplastic Syndromes, Hereditary; Hereditary Cancer Syndrome; Hereditary neoplastic syndrome; Tumor predisposition. Identifiers: Orphanet 140162, MedGen C0027672, MeSH D009386, MONDO:0015356.
Familial cancer of breast. Also called: Hereditary breast cancer; hereditary breast carcinoma; BREAST CANCER, FAMILIAL. Identifiers: Orphanet 227535, MedGen C0346153, MONDO:0016419, OMIM 114480. Disease mechanism: loss of function.

Allele frequency attached by ClinVar (database versions not stated): gnomAD exomes 0.00001 and 0.00004; ExAC 0.00004; TOPMed 0.00015; gnomAD 0.00016 and 0.00019; ESP Exome Variant Server 0.00023.
gnomAD v4.1: 35 of 1,611,924 alleles (0.0022%); highest among the groups gnomAD compares: African/African-American, 0.04%; no homozygotes.

Submissions (11):

Labcorp Genetics (formerly Invitae), Labcorp
Classification: Likely benign for Familial cancer of breast; Fanconi anemia complementation group J. Last evaluated: 2026-01-28. Review status: criteria provided, single submitter. Criteria: Invitae Variant Classification Sherloc (09022015). Collection method: clinical testing. Allele origin: germline.

Women's Health and Genetics/Laboratory Corporation of America, LabCorp
Classification: Likely benign. Last evaluated: 2025-10-08. Review status: criteria provided, single submitter. Criteria: LabCorp Variant Classification Summary - May 2015. Collection method: clinical testing. Allele origin: germline.
Comment: Variant summary: BRIP1 c.628C>T (p.Pro210Ser) results in a non-conservative amino acid change located in the Helicase-like, DEXD box c2 type domain (IPR006554) of the encoded protein sequence. Algorithms developed to predict the effect of missense changes on protein structure and function are either unavailable or do not agree on the potential impact of this missense change. Consensus agreement among computation tools predict no significant impact on normal splicing. However, these predictions have yet to be confirmed by functional studies. The variant allele was found at a frequency of 2.2e-05 in 1618786 control chromosomes, predominantly at a frequency of 0.0004 within the African or African-American subpopulation in the gnomAD database. The observed variant frequency within African or African-American control individuals in the gnomAD database exceeds the estimated maximal expected allele frequency for disease-causing variants in BRIP1. c.628C>T has been reported in the literature in individuals affected with breast cancer (e.g. Adedokun_2020) and colorectal cancer (e.g. Pearlman_2016), but also healthy controls (e.g. Ramus_2015). These reports do not provide unequivocal conclusions about association of the variant with Hereditary Breast And Ovarian Cancer Syndrome. Co-occurrences with other pathogenic variants have been reported (MLH1 c.1381A>T, p.K461X; BRCA2 c.4552delG, p.Glu1518AsnfsX25; PALB2 c.3323delA, p.Tyr1108SerfsX16), providing supporting evidence for a benign role. To our knowledge, no experimental evidence demonstrating an impact on protein function has been reported. The following publications have been ascertained in the context of this evaluation (PMID: 26315354, 27978560, 31871109). ClinVar contains an entry for this variant (Variation ID: 141761). Based on the evidence outlined above, the variant was classified as likely benign.

GeneDx
Classification: Uncertain significance. Last evaluated: 2025-07-16. Review status: criteria provided, single submitter. Criteria: GeneDx Variant Classification Process June 2021. Collection method: clinical testing. Allele origin: germline. Affected: yes.
Comment: In silico analysis suggests that this missense variant does not alter protein structure/function; Identified in patients with breast, prostate, or colon cancer, co-occurring with a pathogenic MLH1 variant in the colon cancer patient, and also observed in unaffected controls (PMID: 26315354, 27978560, 29641532, 32866190, 33471991, 36922933); This variant is associated with the following publications: (PMID: 26315354, 31871109, 32866190, 27978560, 29641532, 33471991, 36922933)

Color Diagnostics, LLC DBA Color Health
Classification: Likely benign for Hereditary cancer-predisposing syndrome. Last evaluated: 2025-05-12. Review status: criteria provided, single submitter. Criteria: ACMG Guidelines, 2015. Collection method: clinical testing. Allele origin: germline.

ARUP Laboratories, Molecular Genetics and Genomics, ARUP Laboratories
Classification: Likely benign. Last evaluated: 2024-07-30. Review status: criteria provided, single submitter. Criteria: ARUP Molecular Germline Variant Investigation Process 2024. Collection method: clinical testing. Allele origin: germline.

Ambry Genetics
Classification: Likely benign for Hereditary cancer-predisposing syndrome. Last evaluated: 2023-12-19. Review status: criteria provided, single submitter. Criteria: Ambry Variant Classification Scheme 2023. Collection method: clinical testing. Allele origin: germline.

Quest Diagnostics Nichols Institute San Juan Capistrano
Classification: Likely benign. Last evaluated: 2023-09-05. Review status: criteria provided, single submitter. Criteria: Quest Diagnostics criteria. Collection method: clinical testing. Allele origin: unknown.

Myriad Genetics, Inc.
Classification: Uncertain significance for Familial cancer of breast. Last evaluated: 2023-03-01. Review status: criteria provided, single submitter. Criteria: Myriad Autosomal Dominant, Autosomal Recessive and X-Linked Classification Criteria (2023). Collection method: clinical testing. Allele origin: unknown.
Comment: This variant is classified as a variant of uncertain significance as there is insufficient evidence to determine its impact on protein function and/or cancer risk.

PreventionGenetics, part of Exact Sciences
Classification: Uncertain significance for BRIP1-related condition. Last evaluated: 2022-11-19. Review status: criteria provided, single submitter. Criteria: ACMG Guidelines, 2015. Collection method: clinical testing. Allele origin: germline.
Comment: The BRIP1 c.628C>T variant is predicted to result in the amino acid substitution p.Pro210Ser. This variant was identified in an individual with colon cancer, but who also had a pathogenic variant in MLH1 (eTable 2, Pearlman et al. 2017. PubMed ID: 27978560) and in an individual with breast cancer (Table S2 - Bishop et al. 2020. PubMed ID: 32866190). This variant was also identified in a control individual from an ovarian cancer cohort study (Supplementary Table 4, Ramus et al. 2015. PubMed ID: 26315354). This variant is reported in 0.048% of alleles in individuals of African descent in gnomAD and has conflicting interpretations regarding its pathogenicity in ClinVar, ranging from likely benign to uncertain. At this time, the clinical significance of this variant is uncertain due to the absence of conclusive functional and genetic evidence.

Sema4
Classification: Uncertain significance for Hereditary cancer-predisposing syndrome. Last evaluated: 2021-06-15. Review status: criteria provided, single submitter. Criteria: Sema4 Curation Guidelines. Collection method: curation. Allele origin: germline.
Comment: The BRIP1 c.628C>T (p.P210S) variant has been reported in heterozygosity in at least one individual with breast cancer and one with colorectal cancer (PMID: 32866190, 27978560). However, it has also been seen in healthy controls (PMID: 26315354). It was observed in 12/24792 chromosomes of the African/African American subpopulation, with no homozygotes, in the large and broad cohorts of the Genome Aggregation Database (PMID: 32461654). The variant has been reported in ClinVar (Variation ID 141761). In silico tools suggest the impact of the variant on protein function is benign, though these predictions have not been confirmed by functional studies. The evidence is insufficient to meet ACMG/AMP criteria for classifying the variant as benign or pathogenic. Thus, the clinical significance of this variant is currently uncertain.

Counsyl
Classification: Uncertain significance for Fanconi anemia complementation group J; Ovarian cancer. Last evaluated: 2017-01-20. Review status: no assertion criteria provided. Collection method: clinical testing. Allele origin: unknown. Not counted in ClinVar's aggregate classification.

Literature cited by the submitters: PubMed 26315354 (cited by 5 submitters); PubMed 27978560 (cited by 4 submitters); PubMed 31871109 (cited by 3 submitters); PubMed 29641532 (cited by Ambry Genetics); PubMed 32866190 (cited by Ambry Genetics and Sema4); PubMed 33471991 (cited by Quest Diagnostics Nichols Institute San Juan Capistrano).

NM_032043.3(BRIP1):c.628C>T (p.Pro210Ser)

Gene: BRIP1 (BRCA1 interacting DNA helicase 1; minus strand). Cytogenetic location: 17q23.2.
Variant type: single nucleotide variant.
Coding change: c.628C>T on transcript NM_032043.3 (MANE Select); coding-DNA position 628, C replaced by T.
Protein change: p.Pro210Ser; replaces proline 210 with serine.
Molecular consequence: missense variant.
Genome position (GRCh38, 1-based): chr17:61,808,757, G>A on the plus strand (C>T on the coding strand, the complement: BRIP1 is on the minus strand). VCF-style: chr17-61808757-G-A. GRCh37 (hg19) VCF-style: chr17-59886118-G-A.
Other names: short protein forms P210S.
Identifiers: ClinVar variation 141761 (VCV000141761.35), dbSNP rs150313156, ClinGen allele CA166320.